The following is an entry in ClinVar:

NM_022168.4(IFIH1):c.61A>G (p.Arg21Gly)

Gene: IFIH1 (interferon induced with helicase C domain 1; minus strand). Cytogenetic location: 2q24.2.
Variant type: single nucleotide variant.
Coding change: c.61A>G on transcript NM_022168.4 (MANE Select); coding-DNA position 61, A replaced by G.
Protein change: p.Arg21Gly; replaces arginine 21 with glycine.
Molecular consequence: missense variant.
Genome position (GRCh38, 1-based): chr2:162,318,247, T>C on the plus strand (A>G on the coding strand, the complement: IFIH1 is on the minus strand). VCF-style: chr2-162318247-T-C. GRCh37 (hg19) VCF-style: chr2-163174757-T-C.
Other names: short protein forms R21G.
Identifiers: ClinVar variation 2432798 (VCV002432798.7), dbSNP rs1423655284, ClinGen allele CA349014681.

ClinVar aggregate classification (germline): Uncertain significance. Review status: criteria provided, multiple submitters, no conflicts (2 of 4 stars). 3 submissions from 3 submitters: Uncertain significance (3). Last evaluated 2023-07-16.

Conditions:
Singleton-Merten syndrome 1 (SGMRT1). Also called: Widened medullary cavities of bone, aortic calcification, abnormal dentition, and muscular weakness; Syndrome of widened medullary cavities of the metacarpals and phalanges, aortic calcification and abnormal dentition. Identifiers: Orphanet 85191, MedGen C4225427, MONDO:0024535, OMIM 182250.
Aicardi-Goutieres syndrome 7 (AGS7). Identifiers: Orphanet 51, MedGen C3888244, MONDO:0014367, OMIM 615846.

Allele frequency attached by ClinVar (database versions not stated): gnomAD exomes 0.00001.
gnomAD v4.1: 18 of 1,614,152 alleles (0.0011%); highest among the groups gnomAD compares: Non-Finnish European, 0.0014%; no homozygotes.

Submissions (3):

Labcorp Genetics (formerly Invitae), Labcorp
Classification: Uncertain significance for Aicardi-Goutieres syndrome 7; Singleton-Merten syndrome 1. Last evaluated: 2023-07-16. Review status: criteria provided, single submitter. Criteria: Invitae Variant Classification Sherloc (09022015). Collection method: clinical testing. Allele origin: germline.
Comment: This variant has not been reported in the literature in individuals affected with IFIH1-related conditions. In summary, the available evidence is currently insufficient to determine the role of this variant in disease. Therefore, it has been classified as a Variant of Uncertain Significance. Advanced modeling of protein sequence and biophysical properties (such as structural, functional, and spatial information, amino acid conservation, physicochemical variation, residue mobility, and thermodynamic stability) has been performed at Invitae for this missense variant, however the output from this modeling did not meet the statistical confidence thresholds required to predict the impact of this variant on IFIH1 protein function. ClinVar contains an entry for this variant (Variation ID: 2432798). This variant is present in population databases (no rsID available, gnomAD 0.0009%). This sequence change replaces arginine, which is basic and polar, with glycine, which is neutral and non-polar, at codon 21 of the IFIH1 protein (p.Arg21Gly).

Blueprint Genetics
Classification: Uncertain significance. Last evaluated: 2023-01-19. Review status: criteria provided, single submitter. Criteria: ACMG Guidelines, 2015. Collection method: clinical testing. Allele origin: germline.

Revvity Omics, Revvity
Classification: Uncertain significance. Last evaluated: 2022-01-11. Review status: criteria provided, single submitter. Criteria: ACMG Guidelines, 2015. Collection method: clinical testing. Allele origin: germline.